The following is an entry in ClinVar:

ClinVar aggregate classification (germline): Benign/Likely benign. Review status: criteria provided, multiple submitters, no conflicts (2 of 4 stars). 5 submissions from 5 submitters: Benign (2); Likely benign (3). Last evaluated 2025-10-24.

Conditions:
Familial cancer of breast. Also called: hereditary breast carcinoma; Hereditary breast cancer; BREAST CANCER, FAMILIAL. Identifiers: Orphanet 227535, MedGen C0346153, MONDO:0016419, OMIM 114480. Disease mechanism: loss of function.
Hereditary cancer-predisposing syndrome. Also called: Hereditary neoplastic syndrome; Hereditary Cancer Syndrome; Neoplastic Syndromes, Hereditary; Tumor predisposition. Identifiers: Orphanet 140162, MedGen C0027672, MeSH D009386, MONDO:0015356.
Fanconi anemia complementation group J. Also called: BRIP1-Related Fanconi Anemia. Identifiers: Orphanet 84, MedGen C1836860, MONDO:0012187, OMIM 609054.

Submissions (5):

Labcorp Genetics (formerly Invitae), Labcorp
Classification: Benign for Familial cancer of breast; Fanconi anemia complementation group J. Last evaluated: 2025-10-24. Review status: criteria provided, single submitter. Criteria: Invitae Variant Classification Sherloc (09022015). Collection method: clinical testing. Allele origin: germline.

Myriad Genetics, Inc.
Classification: Benign for Familial cancer of breast. Last evaluated: 2024-09-03. Review status: criteria provided, single submitter. Criteria: Myriad Autosomal Dominant, Autosomal Recessive and X-Linked Classification Criteria (2023). Collection method: clinical testing. Allele origin: unknown.
Comment: This variant is considered benign. This variant is intronic and is not expected to impact mRNA splicing.

Color Diagnostics, LLC DBA Color Health
Classification: Likely benign for Hereditary cancer-predisposing syndrome. Last evaluated: 2018-03-15. Review status: criteria provided, single submitter. Criteria: ACMG Guidelines, 2015. Collection method: clinical testing. Allele origin: germline.

GeneDx
Classification: Likely benign. Last evaluated: 2016-10-03. Review status: criteria provided, single submitter. Criteria: GeneDx Variant Classification (06012015). Collection method: clinical testing. Allele origin: germline. Affected: yes.
Comment: This variant is considered likely benign or benign based on one or more of the following criteria: it is a conservative change, it occurs at a poorly conserved position in the protein, it is predicted to be benign by multiple in silico algorithms, and/or has population frequency not consistent with disease.

Ambry Genetics
Classification: Likely benign for Hereditary cancer-predisposing syndrome. Last evaluated: 2015-07-28. Review status: criteria provided, single submitter. Criteria: Ambry Variant Classification Scheme 2023. Collection method: clinical testing. Allele origin: germline.

NM_032043.3(BRIP1):c.2098-22dup

Gene: BRIP1 (BRCA1 interacting DNA helicase 1; minus strand). Cytogenetic location: 17q23.2.
Variant type: Duplication.
Coding change: c.2098-22dup on transcript NM_032043.3 (MANE Select); 22 bases into the intron before coding-DNA position 2098, one base duplicated (T; older notation c.2098-22dupT).
Molecular consequence: intron variant.
Genome position (GRCh38, 1-based): chr17:61,744,607, A duplicated on the plus strand (T on the coding strand, the reverse complement: BRIP1 is on the minus strand); the first of 7 consecutive A bases (chr17:61,744,607-61,744,613); duplicating any one gives the same sequence. VCF-style (leftmost placement, unchanged base first): chr17-61744606-G-GA. GRCh37 (hg19) VCF-style: chr17-59821967-G-GA.
Other names: c.2098-16dupT (NM_032043.2).
Identifiers: ClinVar variation 419136 (VCV000419136.14), dbSNP rs1064793669, ClinGen allele CA16620523.